The following is an entry in ClinVar:

ClinVar aggregate classification (germline): Uncertain significance (1 of 4 stars; one submission).

Conditions:
Noonan syndrome 9 (NS9). Identifiers: Orphanet 648, MedGen C4225282, MONDO:0014691, OMIM 616559.

Submission:

Labcorp Genetics (formerly Invitae), Labcorp
Classification: Uncertain significance for Noonan syndrome 9. Last evaluated: 2025-12-23. Review status: criteria provided, single submitter. Criteria: Invitae Variant Classification Sherloc (09022015). Collection method: clinical testing. Allele origin: germline.
Comment: This sequence change replaces arginine, which is basic and polar, with methionine, which is neutral and non-polar, at codon 487 of the SOS2 protein (p.Arg487Met). This variant is not present in population databases (gnomAD no frequency). This variant has not been reported in the literature in individuals affected with SOS2-related conditions. Invitae Evidence Modeling of protein sequence and biophysical properties (such as structural, functional, and spatial information, amino acid conservation, physicochemical variation, residue mobility, and thermodynamic stability) has been performed for this missense variant. However, the output from this modeling did not meet the statistical confidence thresholds required to predict the impact of this variant on SOS2 protein function. In summary, the available evidence is currently insufficient to determine the role of this variant in disease. Therefore, it has been classified as a Variant of Uncertain Significance.

NM_006939.4(SOS2):c.1460G>T (p.Arg487Met)

Gene: SOS2 (SOS Ras/Rho guanine nucleotide exchange factor 2; minus strand). Cytogenetic location: 14q21.3.
Variant type: single nucleotide variant.
Coding change: c.1460G>T on transcript NM_006939.4 (MANE Select); coding-DNA position 1460, G replaced by T.
Protein change: p.Arg487Met; replaces arginine 487 with methionine.
Molecular consequence: missense variant.
Genome position (GRCh38, 1-based): chr14:50,159,823, C>A on the plus strand (G>T on the coding strand, the complement: SOS2 is on the minus strand). VCF-style: chr14-50159823-C-A. GRCh37 (hg19) VCF-style: chr14-50626541-C-A.
Other names: c.1361G>T, p.Arg454Met (NM_001411020.1); short protein forms R454M, R487M.
Identifiers: ClinVar variation 4801990 (VCV004801990.1).
Genomic context (GRCh38, chr14:50,159,823, plus strand): 5'-TCACAAGTATCTTCTTTATCACAAATTTGTATTTTCCTCATGACAAATTTTTCTTTTAAC[C>A]TGTATTCTGCACTACTGTAACCTGGAAGCCGAGTCTGGCCATGATTAGGTTTACAACTGA-3'
Protein context (NP_008870.2, residues 477-497): RLPGYSSAEY[Arg487Met]LKEKFVMRKI